The following is an entry in ClinVar:

ClinVar aggregate classification (germline): Pathogenic (1 of 4 stars; one submission).

Conditions:
Pheochromocytoma/paraganglioma syndrome 4. Also called: CAROTID BODY TUMORS AND MULTIPLE EXTRAADRENAL PHEOCHROMOCYTOMAS; PARAGANGLIOMA, FAMILIAL MALIGNANT; PARAGANGLIOMAS, HEREDITARY EXTRAADRENAL; PHEOCHROMOCYTOMA, FAMILIAL EXTRAADRENAL; Paragangliomas 4; SDHB-Related Hereditary Paraganglioma-Pheochromocytoma Syndrome (Paragangliomas 4). Identifiers: Orphanet 29072, MedGen C1861848, MONDO:0007273, OMIM 115310.

Submission:

Myriad Genetics, Inc.
Classification: Pathogenic for Pheochromocytoma/paraganglioma syndrome 4. Last evaluated: 2026-03-11. Review status: criteria provided, single submitter. Criteria: Myriad Autosomal Dominant, Autosomal Recessive and X-Linked Classification Criteria (2023). Collection method: clinical testing. Allele origin: unknown.
Comment: This variant is considered pathogenic. This variant creates a termination codon and is predicted to result in premature protein truncation.

NM_003000.3(SDHB):c.599G>A (p.Trp200Ter)

Gene: SDHB (succinate dehydrogenase complex iron sulfur subunit B; minus strand). Cytogenetic location: 1p36.13.
Variant type: single nucleotide variant.
Coding change: c.599G>A on transcript NM_003000.3 (MANE Select); coding-DNA position 599, G replaced by A.
Protein change: p.Trp200Ter; replaces tryptophan 200 with a stop codon.
Molecular consequence: nonsense.
Genome position (GRCh38, 1-based): chr1:17,024,016, C>T on the plus strand (G>A on the coding strand, the complement: SDHB is on the minus strand). VCF-style: chr1-17024016-C-T. GRCh37 (hg19) VCF-style: chr1-17350511-C-T.
Other names: c.545G>A, p.Trp182Ter (NM_001407361.1); short protein forms W182*, W200*.
Identifiers: ClinVar variation 4856759 (VCV004856759.1).